The following is an entry in ClinVar:

ClinVar aggregate classification (germline): Benign/Likely benign. Review status: criteria provided, multiple submitters, no conflicts (2 of 4 stars). 4 submissions from 4 submitters: Benign (1); Likely benign (3). Last evaluated 2025-12-27.

Conditions:
Charcot-Marie-Tooth disease axonal type 2S. Also called: CHARCOT-MARIE-TOOTH NEUROPATHY, TYPE 2S; CHARCOT-MARIE-TOOTH DISEASE, AXONAL, AUTOSOMAL RECESSIVE, TYPE 2S. Identifiers: Orphanet 443073, MedGen C4015349, MONDO:0014511, OMIM 616155.
Autosomal recessive distal spinal muscular atrophy 1. Also called: HMN VI; NEURONOPATHY, SEVERE INFANTILE AXONAL, WITH RESPIRATORY FAILURE; SEVERE INFANTILE AXONAL NEUROPATHY WITH RESPIRATORY FAILURE; SPINAL MUSCULAR ATROPHY, DIAPHRAGMATIC; NEURONOPATHY, DISTAL HEREDITARY MOTOR, HARDING TYPE VI; NEUROPATHY, DISTAL HEREDITARY MOTOR, AUTOSOMAL RECESSIVE 1. Identifiers: Orphanet 98920, MedGen C1858517, MONDO:0011436, OMIM 604320.
Charcot-Marie-Tooth disease. Also called: Charcot-Marie-Tooth Neuropathy; Charcot-Marie-Tooth Hereditary Neuropathy. Identifiers: Orphanet 166, MedGen C0007959, MONDO:0015626.

Allele frequency attached by ClinVar (database versions not stated): gnomAD exomes 0.00009 and 0.00018; ExAC 0.00026; ESP Exome Variant Server 0.00054; gnomAD 0.00069 and 0.00071; 1000 Genomes Project 30x 0.00078; 1000 Genomes Project 0.00080; TOPMed 0.00088.
gnomAD v4.1: 236 of 1,607,726 alleles (0.015%); highest among the groups gnomAD compares: African/African-American, 0.27%; no homozygotes.

Submissions (4):

Labcorp Genetics (formerly Invitae), Labcorp
Classification: Benign for Autosomal recessive distal spinal muscular atrophy 1; Charcot-Marie-Tooth disease axonal type 2S. Last evaluated: 2025-12-27. Review status: criteria provided, single submitter. Criteria: Invitae Variant Classification Sherloc (09022015). Collection method: clinical testing. Allele origin: germline.

Blueprint Genetics
Classification: Likely benign. Last evaluated: 2024-11-05. Review status: criteria provided, single submitter. Criteria: ACMG Guidelines, 2015. Collection method: clinical testing. Allele origin: germline.

GeneDx
Classification: Likely benign. Last evaluated: 2016-11-22. Review status: criteria provided, single submitter. Criteria: GeneDx Variant Classification (06012015). Collection method: clinical testing. Allele origin: germline. Affected: yes.
Comment: This variant is considered likely benign or benign based on one or more of the following criteria: it is a conservative change, it occurs at a poorly conserved position in the protein, it is predicted to be benign by multiple in silico algorithms, and/or has population frequency not consistent with disease.

Molecular Genetics Laboratory, London Health Sciences Centre
Classification: Likely benign for Charcot-Marie-Tooth disease. Review status: criteria provided, single submitter. Criteria: ACMG Guidelines, 2015. Collection method: clinical testing. Allele origin: germline. Affected: yes.

NM_002180.3(IGHMBP2):c.1418+11C>T

Gene: IGHMBP2 (immunoglobulin mu DNA binding protein 2; plus strand). Cytogenetic location: 11q13.3.
Variant type: single nucleotide variant.
Coding change: c.1418+11C>T on transcript NM_002180.3 (MANE Select); 11 bases into the intron after coding-DNA position 1418, C replaced by T.
Molecular consequence: intron variant.
Genome position (GRCh38, 1-based): chr11:68,933,492, C>T. VCF-style: chr11-68933492-C-T. GRCh37 (hg19) VCF-style: chr11-68700960-C-T.
Identifiers: ClinVar variation 377973 (VCV000377973.11), dbSNP rs201279838, ClinGen allele CA6153627.